The following is an entry in ClinVar:

NM_001852.4(COL9A2):c.76-277A>G

Gene: COL9A2 (collagen type IX alpha 2 chain; minus strand). Cytogenetic location: 1p34.2.
Variant type: single nucleotide variant.
Coding change: c.76-277A>G on transcript NM_001852.4 (MANE Select); 277 bases into the intron before coding-DNA position 76, A replaced by G.
Molecular consequence: intron variant.
Genome position (GRCh38, 1-based): chr1:40,315,941, T>C on the plus strand (A>G on the coding strand, the complement: COL9A2 is on the minus strand). VCF-style: chr1-40315941-T-C. GRCh37 (hg19) VCF-style: chr1-40781613-T-C.
Identifiers: ClinVar variation 668734 (VCV000668734.2), dbSNP rs12132506, ClinGen allele CA10722717.

ClinVar aggregate classification (germline): Benign. Review status: criteria provided, multiple submitters, no conflicts (2 of 4 stars). 2 submissions from 2 submitters: Benign (2). Last evaluated 2018-06-19.

Allele frequency attached by ClinVar (database versions not stated): gnomAD 0.13436 and 0.13839; TOPMed 0.13821; 1000 Genomes Project 30x 0.16552; 1000 Genomes Project 0.16993.
gnomAD v4.1: 59,575 of 361,982 alleles (16%); highest among the groups gnomAD compares: East Asian, 45%; 6,562 homozygotes.

Submissions (2):

GeneDx
Classification: Benign. Last evaluated: 2018-06-19. Review status: criteria provided, single submitter. Criteria: GeneDx Variant Classification (06012015). Collection method: clinical testing. Allele origin: germline. Affected: yes.
Comment: This variant is considered likely benign or benign based on one or more of the following criteria: it is a conservative change, it occurs at a poorly conserved position in the protein, it is predicted to be benign by multiple in silico algorithms, and/or has population frequency not consistent with disease.

Breakthrough Genomics
Classification: Benign. Review status: criteria provided, single submitter. Criteria: ACMG Guidelines, 2015. Collection method: not provided. Allele origin: germline. Inheritance: Autosomal recessive inheritance. Affected: yes.